The following is an entry in ClinVar:

ClinVar aggregate classification (germline): Likely pathogenic (1 of 4 stars; one submission).

Allele frequency attached by ClinVar (database versions not stated): TOPMed below 0.00001; gnomAD 0.00001.
gnomAD v4.1: 1 of 1,563,188 alleles (0.000064%); highest among the groups gnomAD compares: Non-Finnish European, 0.000087%; no homozygotes.

Submission:

Labcorp Genetics (formerly Invitae), Labcorp
Classification: Likely pathogenic. Last evaluated: 2021-11-14. Review status: criteria provided, single submitter. Criteria: Invitae Variant Classification Sherloc (09022015). Collection method: clinical testing. Allele origin: germline.
Comment: This sequence change affects a donor splice site in intron 4 of the TSFM gene. It is expected to disrupt RNA splicing. Variants that disrupt the donor or acceptor splice site typically lead to a loss of protein function (PMID: 16199547), and loss-of-function variants in TSFM are known to be pathogenic (PMID: 17033963, 20435138, 25037205, 27677415). This variant is not present in population databases (gnomAD no frequency). This variant has not been reported in the literature in individuals affected with TSFM-related conditions. Algorithms developed to predict the effect of sequence changes on RNA splicing suggest that this variant may disrupt the consensus splice site. In summary, the currently available evidence indicates that the variant is pathogenic, but additional data are needed to prove that conclusively. Therefore, this variant has been classified as Likely Pathogenic.

Literature cited by the submitters: PubMed 16199547; PubMed 17033963; PubMed 20435138; PubMed 25037205; PubMed 27677415.

NM_005726.6(TSFM):c.483+1G>C

Gene: TSFM (Ts translation elongation factor, mitochondrial; plus strand). Cytogenetic location: 12q14.1.
Variant type: single nucleotide variant.
Coding change: c.483+1G>C on transcript NM_005726.6 (MANE Select); the canonical splice donor site of the intron after coding-DNA position 483, G replaced by C.
Molecular consequence: splice donor variant.
Genome position (GRCh38, 1-based): chr12:57,787,163, G>C. VCF-style: chr12-57787163-G-C. GRCh37 (hg19) VCF-style: chr12-58180946-G-C.
Other names: c.483+1G>C (NM_001172697.2, NM_001172696.2, NM_001172695.2).
Identifiers: ClinVar variation 1491537 (VCV001491537.6), dbSNP rs1465439141, ClinGen allele CA385527511.